The following is an entry in ClinVar:

NM_020937.4(FANCM):c.6129A>T (p.Arg2043Ser)

Gene: FANCM (FA complementation group M; plus strand). Cytogenetic location: 14q21.2.
Variant type: single nucleotide variant.
Coding change: c.6129A>T on transcript NM_020937.4 (MANE Select); coding-DNA position 6129, A replaced by T.
Protein change: p.Arg2043Ser; replaces arginine 2043 with serine.
Molecular consequence: missense variant.
Genome position (GRCh38, 1-based): chr14:45,199,990, A>T. VCF-style: chr14-45199990-A-T. GRCh37 (hg19) VCF-style: chr14-45669193-A-T.
Other names: c.6129A>T (NM_020937.3); c.6051A>T, p.Arg2017Ser (NM_001308133.2); short protein forms R2017S, R2043S.
Identifiers: ClinVar variation 864250 (VCV000864250.15), dbSNP rs772632630, ClinGen allele CA7170134.

ClinVar aggregate classification (germline): Conflicting classifications of pathogenicity. Review status: criteria provided, conflicting classifications (1 of 4 stars). 6 submissions from 6 submitters: Uncertain significance (4); Likely benign (1). 1 of the submissions does not count toward it. Last evaluated 2025-01-29.

Conditions:
FANCM-related disorder. Also called: FANCM-related condition.
Hereditary cancer-predisposing syndrome. Also called: Neoplastic Syndromes, Hereditary; Hereditary Cancer Syndrome; Tumor predisposition; Hereditary neoplastic syndrome. Identifiers: Orphanet 140162, MedGen C0027672, MeSH D009386, MONDO:0015356.
Fanconi anemia (FA). Also called: Fanconi's anemia. Identifiers: Orphanet 84, MedGen C0015625, MeSH D005199, MONDO:0019391.

Allele frequency attached by ClinVar (database versions not stated): gnomAD 0.00001; gnomAD exomes 0.00001 and 0.00002; TOPMed 0.00001; ExAC 0.00002.

Submissions (6):

PreventionGenetics, part of Exact Sciences
Classification: Uncertain significance for FANCM-related condition. Last evaluated: 2025-01-29. Review status: criteria provided, single submitter. Criteria: ACMG Guidelines, 2015. Collection method: clinical testing. Allele origin: germline.
Comment: The FANCM c.6129A>T variant is predicted to result in the amino acid substitution p.Arg2043Ser. To our knowledge, this variant has not been reported in the literature. This variant is reported in 0.0057% of alleles in individuals of Latino descent in gnomAD. At this time, the clinical significance of this variant is uncertain due to the absence of conclusive functional and genetic evidence.

Labcorp Genetics (formerly Invitae), Labcorp
Classification: Uncertain significance for Fanconi anemia. Last evaluated: 2024-08-19. Review status: criteria provided, single submitter. Criteria: Invitae Variant Classification Sherloc (09022015). Collection method: clinical testing. Allele origin: germline.
Comment: This sequence change replaces arginine, which is basic and polar, with serine, which is neutral and polar, at codon 2043 of the FANCM protein (p.Arg2043Ser). This variant is present in population databases (rs772632630, gnomAD 0.006%). This variant has not been reported in the literature in individuals affected with FANCM-related conditions. ClinVar contains an entry for this variant (Variation ID: 864250). An algorithm developed to predict the effect of missense changes on protein structure and function outputs the following: PolyPhen-2: "Benign". The serine amino acid residue is found in multiple mammalian species, which suggests that this missense change does not adversely affect protein function. In summary, the available evidence is currently insufficient to determine the role of this variant in disease. Therefore, it has been classified as a Variant of Uncertain Significance.

Blueprint Genetics
Classification: Likely benign. Last evaluated: 2024-04-25. Review status: criteria provided, single submitter. Criteria: ACMG Guidelines, 2015. Collection method: clinical testing. Allele origin: germline.

Sema4
Classification: Uncertain significance for Hereditary cancer-predisposing syndrome. Last evaluated: 2021-06-15. Review status: criteria provided, single submitter. Criteria: Sema4 Curation Guidelines. Collection method: curation. Allele origin: germline.
Comment: The FANCM c.6129A>T (p.R2043S) variant has been reported in heterozygosity in at least three individuals with breast cancer as well as healthy controls (PMID: 33471991). It was observed in 2/35396 chromosomes of the Latino subpopulation in the Genome Aggregation Database. The variant has been reported in ClinVar (Variation ID 864250). In silico tools suggest the impact of the variant on protein function is benign, though these predictions have not been confirmed by functional studies. The evidence is insufficient to meet ACMG/AMP criteria for classifying the variant as benign or pathogenic. Thus, the clinical significance of this variant is currently uncertain.

GeneDx
Classification: Uncertain significance. Last evaluated: 2020-11-27. Review status: criteria provided, single submitter. Criteria: GeneDx Variant Classification Process June 2021. Collection method: clinical testing. Allele origin: germline. Affected: yes.
Comment: In silico analysis supports that this missense variant does not alter protein structure/function; Has not been previously published as pathogenic or benign to our knowledge

Genetic Services Laboratory, University of Chicago
Classification: Uncertain significance. Last evaluated: 2022-06-22. Review status: no assertion criteria provided. Collection method: clinical testing. Allele origin: germline. Affected: no. Not counted in ClinVar's aggregate classification.
Comment: DNA sequence analysis of the FANCM gene demonstrated a sequence change, c.6129A>T, in exon 23 that results in an amino acid change, p.Arg2043Ser. This sequence change does not appear to have been previously described in individuals with FANCM-related disorders. This sequence change has been described in the gnomAD database with a frequency of 0.0025% in the overall population (dbSNP rs772632630). The p.Arg2043Ser change affects a poorly conserved amino acid residue located in a domain of the FANCM protein that is not known to be functional. The p.Arg2043Ser substitution appears to be benign using several in-silico pathogenicity prediction tools (SIFT, PolyPhen2, Align GVGD, REVEL). Due to insufficient evidences and the lack of functional studies, the clinical significance of the p.Arg2043Ser change remains unknown at this time

Literature cited by the submitters: PubMed 33471991 (cited by Sema4).